The following is an entry in ClinVar:

ClinVar aggregate classification (germline): Uncertain significance (1 of 4 stars; one submission).

Submission:

GeneDx
Classification: Uncertain significance. Last evaluated: 2022-03-17. Review status: criteria provided, single submitter. Criteria: GeneDx Variant Classification Process June 2021. Collection method: clinical testing. Allele origin: germline. Affected: yes.
Comment: Not observed at significant frequency in large population cohorts (gnomAD); In silico analysis supports that this missense variant does not alter protein structure/function; Has not been previously published as pathogenic or benign to our knowledge

NM_145691.4(ATPAF2):c.134A>C (p.Glu45Ala)

Gene: ATPAF2 (ATP synthase mitochondrial F1 complex assembly factor 2; minus strand). Cytogenetic location: 17p11.2.
Variant type: single nucleotide variant.
Coding change: c.134A>C on transcript NM_145691.4 (MANE Select); coding-DNA position 134, A replaced by C.
Protein change: p.Glu45Ala; replaces glutamic acid 45 with alanine.
Molecular consequence: missense variant.
Genome position (GRCh38, 1-based): chr17:18,028,659, T>G on the plus strand (A>C on the coding strand, the complement: ATPAF2 is on the minus strand). VCF-style: chr17-18028659-T-G. GRCh37 (hg19) VCF-style: chr17-17931973-T-G.
Other names: short protein forms E45A.
Identifiers: ClinVar variation 1706097 (VCV001706097.2), dbSNP rs2545083558, ClinGen allele CA398578683.
Genomic context (GRCh38, chr17:18,028,659, plus strand): 5'-AATTTCAGACACTCACCTTCACCCTGTGTGATGCTGACATTCTGATAAAACCTCTTCCTT[T>G]CTGTAAGAAAGATTTTTCAAAGAGGCAGTTTAAAATAACGTTGAGACAACTCAGGAAGCG-3'
Protein context (NP_663729.1, residues 35-55): SPARAYAPPT[Glu45Ala]RKRFYQNVSI